The following is an entry in ClinVar:

NM_001807.6(CEL):c.1998C>G (p.Gly666=)

Gene: CEL (carboxyl ester lipase; plus strand). Cytogenetic location: 9q34.13.
Variant type: single nucleotide variant.
Coding change: c.1998C>G on transcript NM_001807.6 (MANE Select); coding-DNA position 1998, C replaced by G.
Protein change: p.Gly666=; no amino-acid change (glycine 666 retained).
Molecular consequence: synonymous variant.
Genome position (GRCh38, 1-based): chr9:133,071,500, C>G. VCF-style: chr9-133071500-C-G. GRCh37 (hg19) VCF-style: chr9-135946887-C-G.
Identifiers: ClinVar variation 128689 (VCV000128689.31), dbSNP rs35171271, ClinGen allele CA152288.

ClinVar aggregate classification (germline): Likely benign. Review status: criteria provided, multiple submitters, no conflicts (2 of 4 stars). 4 submissions from 4 submitters: Likely benign (3). 1 of the submissions does not count toward it. Last evaluated 2026-05-01.

Allele frequency attached by ClinVar (database versions not stated): gnomAD 0.00013.

Submissions (4):

CeGaT Center for Human Genetics Tuebingen
Classification: Likely benign. Last evaluated: 2026-05-01. Review status: criteria provided, single submitter. Criteria: CeGaT Center For Human Genetics Tuebingen Variant Classification Criteria Version 2. Collection method: clinical testing. Allele origin: germline. Affected: yes. Observed: 12 variant alleles.
Comment: CEL: BP4, BP7

Blueprint Genetics
Classification: Likely benign. Last evaluated: 2024-11-22. Review status: criteria provided, single submitter. Criteria: ACMG Guidelines, 2015. Collection method: clinical testing. Allele origin: germline.

Breakthrough Genomics
Classification: Likely benign. Review status: criteria provided, single submitter. Criteria: ACMG Guidelines, 2015. Collection method: not provided. Allele origin: germline. Inheritance: Autosomal dominant inheritance. Affected: yes.

Genetic Services Laboratory, University of Chicago
Classification: Likely benign for AllHighlyPenetrant. Review status: no assertion criteria provided. Collection method: clinical testing. Allele origin: germline. Inheritance: Autosomal dominant inheritance. Not counted in ClinVar's aggregate classification.
Comment: Likely benign based on allele frequency in 1000 Genomes Project or ESP global frequency and its presence in a patient with a rare or unrelated disease phenotype. NOT Sanger confirmed.